The following is an entry in ClinVar:

NM_152274.5(CCNQ):c.62C>T (p.Ala21Val)

Genes: CCNQ (cyclin Q; minus strand), LOC130068825 (ATAC-STARR-seq lymphoblastoid silent region 21064; plus strand). Cytogenetic location: Xq28.
Variant type: single nucleotide variant.
Coding change: c.62C>T on transcript NM_152274.5 (MANE Select); coding-DNA position 62, C replaced by T.
Protein change: p.Ala21Val; replaces alanine 21 with valine.
Molecular consequence: missense variant.
Genome position (GRCh38, 1-based): chrX:153,599,012, G>A on the plus strand (C>T on the coding strand, the complement: CCNQ is on the minus strand). VCF-style: chrX-153599012-G-A. GRCh37 (hg19) VCF-style: chrX-152864470-G-A.
Other names: c.62C>T, p.Ala21Val (NM_001130997.3); short protein forms A21V.
Identifiers: ClinVar variation 2083975 (VCV002083975.4), dbSNP rs782316470, ClinGen allele CA415091693.

ClinVar aggregate classification (germline): Uncertain significance (1 of 4 stars; one submission).

Allele frequency attached by ClinVar (database versions not stated): gnomAD 0.00003; gnomAD exomes 0.00004; TOPMed 0.00004.
gnomAD v4.1: 45 of 1,124,729 alleles (0.004%); highest among the groups gnomAD compares: Non-Finnish European, 0.0046%; no homozygotes.

Submission:

Labcorp Genetics (formerly Invitae), Labcorp
Classification: Uncertain significance. Last evaluated: 2022-05-09. Review status: criteria provided, single submitter. Criteria: Invitae Variant Classification Sherloc (09022015). Collection method: clinical testing. Allele origin: germline.
Comment: This sequence change replaces alanine, which is neutral and non-polar, with valine, which is neutral and non-polar, at codon 21 of the CCNQ protein (p.Ala21Val). The frequency data for this variant in the population databases is considered unreliable, as metrics indicate poor data quality at this position in the gnomAD database. In summary, the available evidence is currently insufficient to determine the role of this variant in disease. Therefore, it has been classified as a Variant of Uncertain Significance. Experimental studies and prediction algorithms are not available or were not evaluated, and the functional significance of this variant is currently unknown. This variant has not been reported in the literature in individuals affected with CCNQ-related conditions.